The following is an entry in ClinVar:

NM_001134407.3(GRIN2A):c.1284G>A (p.Thr428=)

Gene: GRIN2A (glutamate ionotropic receptor NMDA type subunit 2A; minus strand). Cytogenetic location: 16p13.2.
Variant type: single nucleotide variant.
Coding change: c.1284G>A on transcript NM_001134407.3 (MANE Select); coding-DNA position 1284, G replaced by A.
Protein change: p.Thr428=; no amino-acid change (threonine 428 retained).
Molecular consequence: synonymous variant.
Genome position (GRCh38, 1-based): chr16:9,849,800, C>T on the plus strand (G>A on the coding strand, the complement: GRIN2A is on the minus strand). VCF-style: chr16-9849800-C-T. GRCh37 (hg19) VCF-style: chr16-9943657-C-T.
Other names: c.1284G>A, p.Thr428= (NM_000833.5, NM_001134408.2).
Identifiers: ClinVar variation 380718 (VCV000380718.8), dbSNP rs147211564, ClinGen allele CA7896764.

ClinVar aggregate classification (germline): Likely benign. Review status: criteria provided, multiple submitters, no conflicts (2 of 4 stars). 2 submissions from 2 submitters: Likely benign (2). Last evaluated 2025-09-17.

Conditions:
Landau-Kleffner syndrome (FESD). Also called: EPILEPSY, FOCAL, WITH SPEECH DISORDER AND WITH OR WITHOUT MENTAL RETARDATION; APHASIA, ACQUIRED, WITH EPILEPSY. Identifiers: Orphanet 1945, Orphanet 725, Orphanet 98818, MedGen C0282512, MONDO:0009509, OMIM 245570.

Allele frequency attached by ClinVar (database versions not stated): gnomAD 0.00001; TOPMed 0.00001; ESP Exome Variant Server 0.00008.
gnomAD v4.1: 54 of 1,613,982 alleles (0.0033%); highest among the groups gnomAD compares: Admixed American, 0.027%; no homozygotes.

Submissions (2):

Labcorp Genetics (formerly Invitae), Labcorp
Classification: Likely benign for Landau-Kleffner syndrome. Last evaluated: 2025-09-17. Review status: criteria provided, single submitter. Criteria: Invitae Variant Classification Sherloc (09022015). Collection method: clinical testing. Allele origin: germline.

GeneDx
Classification: Likely benign. Last evaluated: 2015-10-02. Review status: criteria provided, single submitter. Criteria: GeneDx Variant Classification (06012015). Collection method: clinical testing. Allele origin: germline. Affected: yes.
Comment: This variant is considered likely benign or benign based on one or more of the following criteria: it is a conservative change, it occurs at a poorly conserved position in the protein, it is predicted to be benign by multiple in silico algorithms, and/or has population frequency not consistent with disease.